The following is an entry in ClinVar:

NM_005585.5(SMAD6):c.1261G>A (p.Gly421Ser)

Gene: SMAD6 (SMAD family member 6; plus strand). Cytogenetic location: 15q22.31.
Variant type: single nucleotide variant.
Coding change: c.1261G>A on transcript NM_005585.5 (MANE Select); coding-DNA position 1261, G replaced by A.
Protein change: p.Gly421Ser; replaces glycine 421 with serine.
Molecular consequence: missense variant. On other transcripts: non-coding transcript variant (1).
Genome position (GRCh38, 1-based): chr15:66,781,305, G>A. VCF-style: chr15-66781305-G-A. GRCh37 (hg19) VCF-style: chr15-67073643-G-A.
Other names: short protein forms G421S.
Identifiers: ClinVar variation 2200946 (VCV002200946.4), dbSNP rs1016299989, ClinGen allele CA393202183.

ClinVar aggregate classification (germline): Uncertain significance (1 of 4 stars; one submission).

Conditions:
Aortic valve disease 2 (AOVD2). Identifiers: MedGen C3542024, MONDO:0013902, OMIM 614823.

Submission:

Labcorp Genetics (formerly Invitae), Labcorp
Classification: Uncertain significance for Aortic valve disease 2. Last evaluated: 2022-11-22. Review status: criteria provided, single submitter. Criteria: Invitae Variant Classification Sherloc (09022015). Collection method: clinical testing. Allele origin: germline.
Comment: Advanced modeling of protein sequence and biophysical properties (such as structural, functional, and spatial information, amino acid conservation, physicochemical variation, residue mobility, and thermodynamic stability) performed at Invitae indicates that this missense variant is not expected to disrupt SMAD6 protein function. In summary, the available evidence is currently insufficient to determine the role of this variant in disease. Therefore, it has been classified as a Variant of Uncertain Significance. This sequence change replaces glycine, which is neutral and non-polar, with serine, which is neutral and polar, at codon 421 of the SMAD6 protein (p.Gly421Ser). This variant is not present in population databases (gnomAD no frequency). This variant has not been reported in the literature in individuals affected with SMAD6-related conditions.